The following continues an entry in ClinVar:

NM_002693.3(POLG):c.2243G>C (p.Trp748Ser)

Gene: POLG. ClinVar aggregate classification (germline): Pathogenic/Likely pathogenic. Pathogenic (34); Likely pathogenic (4).

Submissions 39 to 49 of 49:

PreventionGenetics, part of Exact Sciences
Classification: Pathogenic for POLG-related condition. Last evaluated: 2024-05-02. Review status: no assertion criteria provided. Collection method: clinical testing. Allele origin: germline. Not counted in ClinVar's aggregate classification.
Comment: The POLG c.2243G>C variant is predicted to result in the amino acid substitution p.Trp748Ser. This variant has been documented as pathogenic for autosomal recessive POLG-related disorders (Tang et al. 2011. PubMed ID: 21880868). It is a common founder variant for autosomal recessive progressive ataxia in the Finnish population (Hakonen et al. 2005. PubMed ID: 16080118). This variant is reported in 0.62% of alleles in individuals of European (Finnish) descent in gnomAD. In summary, this variant is interpreted as pathogenic.

Mitochondrial Research Group, Newcastle University
Classification: Pathogenic for Mitochondrial disease. Last evaluated: 2017-04-07. Review status: no assertion criteria provided. Collection method: clinical testing. Allele origin: germline. Affected: yes. Observed: 1 variant allele. Not counted in ClinVar's aggregate classification.

OMIM
Classification: Pathogenic for SENSORY ATAXIC NEUROPATHY, DYSARTHRIA, AND OPHTHALMOPARESIS. Last evaluated: 2007-12-01. Review status: no assertion criteria provided. Collection method: literature only. Allele origin: germline. Not counted in ClinVar's aggregate classification.

OMIM
Classification: Pathogenic for SPINOCEREBELLAR ATAXIA WITH EPILEPSY. Last evaluated: 2007-12-01. Review status: no assertion criteria provided. Collection method: literature only. Allele origin: germline. Not counted in ClinVar's aggregate classification.

OMIM
Classification: Pathogenic for MITOCHONDRIAL DNA DEPLETION SYNDROME 4A (ALPERS TYPE). Last evaluated: 2007-12-01. Review status: no assertion criteria provided. Collection method: literature only. Allele origin: germline. Not counted in ClinVar's aggregate classification.

Clinical Genetics DNA and cytogenetics Diagnostics Lab, Erasmus MC, Erasmus Medical Center
Classification: Pathogenic. Review status: no assertion criteria provided. Collection method: clinical testing. Allele origin: germline. Affected: yes. Study: VKGL Data-share Consensus. Not counted in ClinVar's aggregate classification.

Diagnostic Laboratory, Department of Genetics, University Medical Center Groningen
Classification: Pathogenic. Review status: no assertion criteria provided. Collection method: clinical testing. Allele origin: germline. Affected: yes. Study: VKGL Data-share Consensus. Not counted in ClinVar's aggregate classification.

GeneReviews
No classification provided. Condition: Mitochondrial disease. Review status: no classification provided. Collection method: literature only. Allele origin: germline. Not counted in ClinVar's aggregate classification.

Genome Diagnostics Laboratory, University Medical Center Utrecht
Classification: Pathogenic. Review status: no assertion criteria provided. Collection method: clinical testing. Allele origin: germline. Affected: yes. Study: VKGL Data-share Consensus. Not counted in ClinVar's aggregate classification.

Joint Genome Diagnostic Labs from Nijmegen and Maastricht, Radboudumc and MUMC+
Classification: Pathogenic. Review status: no assertion criteria provided. Collection method: clinical testing. Allele origin: germline. Affected: yes. Study: VKGL Data-share Consensus. Not counted in ClinVar's aggregate classification.

Next Generation Genetic Polyclinic
Classification: Pathogenic for Sensory ataxic neuropathy, dysarthria, and ophthalmoparesis. Review status: no assertion criteria provided. Collection method: clinical testing. Allele origin: inherited. Affected: yes. Not counted in ClinVar's aggregate classification.

Literature cited by the submitters: PubMed 15477547 (cited by 8 submitters); PubMed 16080118 (cited by 6 submitters); PubMed 16638794 (cited by 5 submitters); PubMed 17894835 (cited by 4 submitters); PubMed 18294203 (cited by 4 submitters); PubMed 18546343 (cited by 3 submitters); PubMed 22166854 (cited by Labcorp Genetics (formerly Invitae), Labcorp and AiLife Diagnostics); PubMed 22931735 (cited by Labcorp Genetics (formerly Invitae), Labcorp and AiLife Diagnostics); PubMed 17088268 (cited by 9 submitters); PubMed 20153822 (cited by 6 submitters); PubMed 26169155 (cited by 3billion); PubMed 18991199 (cited by 4 submitters); PubMed 17438011 (cited by Athena Diagnostics); PubMed 17426723 (cited by 3 submitters); PubMed 19251978 (cited by Athena Diagnostics); PubMed 15929042 (cited by Athena Diagnostics and OMIM); PubMed 16177225 (cited by Athena Diagnostics and OMIM); PubMed 15824347 (cited by 4 submitters); PubMed 20142534 (cited by Athena Diagnostics); PubMed 19578034 (cited by Athena Diagnostics and SIB Swiss Institute of Bioinformatics); PubMed 16545482 (cited by Athena Diagnostics); PubMed 15689359 (cited by Athena Diagnostics); PubMed 16639411 (cited by Athena Diagnostics); PubMed 18828154 (cited by Athena Diagnostics); PubMed 19103152 (cited by Athena Diagnostics); PubMed 19125351 (cited by Athena Diagnostics); PubMed 19566497 (cited by 3 submitters); PubMed 19752458 (cited by Athena Diagnostics); PubMed 18487244 (cited by Athena Diagnostics); PubMed 18546365 (cited by Athena Diagnostics); PubMed 17452231 (cited by Athena Diagnostics); PubMed 16621917 (cited by Athena Diagnostics); PubMed 28480171 (cited by Athena Diagnostics and Mayo Clinic Laboratories, Mayo Clinic); PubMed 29920680 (cited by Athena Diagnostics); PubMed 29474836 (cited by Athena Diagnostics and Ambry Genetics); PubMed 28130605 (cited by Athena Diagnostics); PubMed 27838477 (cited by Athena Diagnostics); PubMed 28634151 (cited by Athena Diagnostics); PubMed 27422324 (cited by Athena Diagnostics and AiLife Diagnostics); PubMed 28471437 (cited by Athena Diagnostics and AiLife Diagnostics); PubMed 28206745 (cited by Athena Diagnostics); PubMed 28865037 (cited by Athena Diagnostics); PubMed 29574624 (cited by Athena Diagnostics); PubMed 29423831 (cited by Athena Diagnostics); PubMed 29358615 (cited by Athena Diagnostics); PubMed 30021052 (cited by Athena Diagnostics); PubMed 29272804 (cited by Athena Diagnostics); PubMed 18321754 (cited by Athena Diagnostics and AiLife Diagnostics); PubMed 27822509 (cited by 3 submitters); PubMed 30423451 (cited by 3 submitters); PubMed 30843307 (cited by Athena Diagnostics and AiLife Diagnostics); PubMed 31164858 (cited by Athena Diagnostics and AiLife Diagnostics); PubMed 31980526 (cited by Athena Diagnostics and AiLife Diagnostics); PubMed 33469851 (cited by Athena Diagnostics and AiLife Diagnostics); PubMed 32445240 (cited by Athena Diagnostics); PubMed 33486010 (cited by Athena Diagnostics and Ambry Genetics); PubMed 37184518 (cited by Athena Diagnostics); PubMed 35641312 (cited by Athena Diagnostics); PubMed 36403551 (cited by Athena Diagnostics); PubMed 34445196 (cited by Athena Diagnostics); PubMed 35298342 (cited by Athena Diagnostics); PubMed 30306720 (cited by Athena Diagnostics and AiLife Diagnostics); PubMed 35790454 (cited by Athena Diagnostics); PubMed 33396418 (cited by Athena Diagnostics); PubMed 29655203 (cited by Athena Diagnostics and AiLife Diagnostics); PubMed 34052969 (cited by Athena Diagnostics); PubMed 25497598 (cited by Athena Diagnostics and AiLife Diagnostics); PubMed 32964447 (cited by Athena Diagnostics); PubMed 33726816 (cited by Athena Diagnostics); PubMed 31440721 (cited by Athena Diagnostics); PubMed 36342673 (cited by Athena Diagnostics); PubMed 26077851 (cited by SIB Swiss Institute of Bioinformatics); PubMed 26104464 (cited by Ambry Genetics and AiLife Diagnostics); PubMed 26755490 (cited by Ambry Genetics and AiLife Diagnostics); PubMed 30451971 (cited by Victorian Clinical Genetics Services, Murdoch Childrens Research Institute); PubMed 34288125 (cited by Victorian Clinical Genetics Services, Murdoch Childrens Research Institute); PubMed 25713120 (cited by AiLife Diagnostics and Laboratory for Molecular Medicine, Mass General Brigham Personalized Medicine); PubMed 20818383 (cited by AiLife Diagnostics); PubMed 29482223 (cited by AiLife Diagnostics); PubMed 23808377 (cited by AiLife Diagnostics); PubMed 22616202 (cited by AiLife Diagnostics and Illumina Laboratory Services, Illumina); PubMed 25585994 (cited by AiLife Diagnostics); PubMed 21956653 (cited by AiLife Diagnostics); PubMed 25025039 (cited by AiLife Diagnostics); PubMed 20438629 (cited by AiLife Diagnostics); PubMed 22189570 (cited by AiLife Diagnostics); PubMed 23248042 (cited by AiLife Diagnostics and Illumina Laboratory Services, Illumina); PubMed 20691285 (cited by AiLife Diagnostics); PubMed 26607151 (cited by AiLife Diagnostics and Laboratory for Molecular Medicine, Mass General Brigham Personalized Medicine); PubMed 20576279 (cited by AiLife Diagnostics); PubMed 27290639 (cited by AiLife Diagnostics); PubMed 21455106 (cited by AiLife Diagnostics); PubMed 21515089 (cited by AiLife Diagnostics); PubMed 30860128 (cited by AiLife Diagnostics); PubMed 26942291 (cited by AiLife Diagnostics); PubMed 24725338 (cited by AiLife Diagnostics); PubMed 21236670 (cited by AiLife Diagnostics); PubMed 21993618 (cited by AiLife Diagnostics); PubMed 31475037 (cited by AiLife Diagnostics); PubMed 23212759 (cited by AiLife Diagnostics); PubMed 23448099 (cited by AiLife Diagnostics); PubMed 24122062 (cited by AiLife Diagnostics); PubMed 21880868 (cited by 3 submitters); PubMed 22711370 (cited by Illumina Laboratory Services, Illumina); PubMed 28812649 (cited by Mitochondrial Research Group, Newcastle University); PubMed 11571332 (cited by OMIM); NCBI Bookshelf NBK26471 (cited by GeneReviews).